The following is an entry in ClinVar:

ClinVar aggregate classification (germline): Uncertain significance (1 of 4 stars; one submission).

Conditions:
Retinoblastoma (RB1). Also called: RETINOBLASTOMA, SOMATIC. Identifiers: Orphanet 790, MedGen C0035335, MeSH D012175, MONDO:0008380, OMIM 180200, HP:0009919. Disease mechanism: loss of function. Inheritance: Both sporadic and heritable forms are tested..

Submission:

Labcorp Genetics (formerly Invitae), Labcorp
Classification: Uncertain significance for Retinoblastoma. Last evaluated: 2024-10-06. Review status: criteria provided, single submitter. Criteria: Invitae Variant Classification Sherloc (09022015). Collection method: clinical testing. Allele origin: germline.
Comment: This sequence change falls in intron 22 of the RB1 gene. It does not directly change the encoded amino acid sequence of the RB1 protein. It affects a nucleotide within the consensus splice site. This variant is not present in population databases (gnomAD no frequency). This variant has not been reported in the literature in individuals affected with RB1-related conditions. ClinVar contains an entry for this variant (Variation ID: 1461992). Variants that disrupt the consensus splice site are a relatively common cause of aberrant splicing (PMID: 17576681, 9536098). Algorithms developed to predict the effect of sequence changes on RNA splicing suggest that this variant may disrupt the consensus splice site. In summary, the available evidence is currently insufficient to determine the role of this variant in disease. Therefore, it has been classified as a Variant of Uncertain Significance.

Literature cited by the submitters: PubMed 17576681; PubMed 9536098.

NM_000321.3(RB1):c.2325+6T>G

Gene: RB1 (RB transcriptional corepressor 1; plus strand). Cytogenetic location: 13q14.2.
Variant type: single nucleotide variant.
Coding change: c.2325+6T>G on transcript NM_000321.3 (MANE Select); 6 bases into the intron after coding-DNA position 2325, T replaced by G.
Molecular consequence: intron variant.
Genome position (GRCh38, 1-based): chr13:48,465,117, T>G. VCF-style: chr13-48465117-T-G. GRCh37 (hg19) VCF-style: chr13-49039253-T-G.
Identifiers: ClinVar variation 1461992 (VCV001461992.6), dbSNP rs2138345102, ClinGen allele CA2573149620.
Genomic context (GRCh38, chr13:48,465,117, plus strand): 5'-CTCGGTCTTCATGCAGAGACTGAAAACAAATATTTTGCAGTATGCTTCCACCAGGGTAGG[T>G]CAAAAGTATCCTTTGATTGGAAAAATCTAATGTAATGGGTCCACCAAAACATTAAATAAA-3'